The following is an entry in ClinVar:

ClinVar aggregate classification (germline): Uncertain significance (1 of 4 stars; one submission).

Submission:

Labcorp Genetics (formerly Invitae), Labcorp
Classification: Uncertain significance. Last evaluated: 2024-05-06. Review status: criteria provided, single submitter. Criteria: Invitae Variant Classification Sherloc (09022015). Collection method: clinical testing. Allele origin: germline.
Comment: This sequence change replaces glutamine, which is neutral and polar, with histidine, which is basic and polar, at codon 201 of the USP9X protein (p.Gln201His). This variant is not present in population databases (gnomAD no frequency). This variant has not been reported in the literature in individuals affected with USP9X-related conditions. An algorithm developed to predict the effect of missense changes on protein structure and function (PolyPhen-2) suggests that this variant is likely to be disruptive. In summary, the available evidence is currently insufficient to determine the role of this variant in disease. Therefore, it has been classified as a Variant of Uncertain Significance.

NM_001039591.3(USP9X):c.603G>T (p.Gln201His)

Gene: USP9X (ubiquitin specific peptidase 9 X-linked; plus strand). Cytogenetic location: Xp11.4.
Variant type: single nucleotide variant.
Coding change: c.603G>T on transcript NM_001039591.3 (MANE Select); coding-DNA position 603, G replaced by T.
Protein change: p.Gln201His; replaces glutamine 201 with histidine.
Molecular consequence: missense variant.
Genome position (GRCh38, 1-based): chrX:41,136,971, G>T. VCF-style: chrX-41136971-G-T. GRCh37 (hg19) VCF-style: chrX-40996224-G-T.
Other names: c.603G>T, p.Gln201His (NM_001039590.3, NM_001410748.1, NM_001410749.1); short protein forms Q201H.
Identifiers: ClinVar variation 3625940 (VCV003625940.2).